The following is an entry in ClinVar:

NC_000017.11:g.31230842del

Gene: NF1 (neurofibromin 1; plus strand). Cytogenetic location: 17q11.2.
Variant type: Deletion.
Genome position: GRCh38 VCF-style: chr17-31230840-AG-A. GRCh37 (hg19) VCF-style: chr17-29557858-AG-A.
Identifiers: ClinVar variation 3721738 (VCV003721738.2).
Genomic context (GRCh38, chr17:31,230,840, plus strand): 5'-AAGGTGTGTGTGTGGCTTCAAAAACATTGTTTGCTGTTTCTCTTTTCTCCACCATTCTAT[AG>A]GAATAAGATGGTAGAATACCTGACAGACTGGGTTATGGGAACATCAAACCAAGCAGCAGA-3'

ClinVar aggregate classification (germline): Pathogenic (1 of 4 stars; one submission).

Conditions:
Neurofibromatosis, type 1 (NF1). Also called: VON RECKLINGHAUSEN DISEASE; NEUROFIBROMATOSIS, TYPE I, SOMATIC; Peripheral type neurofibromatosis; Neurofibromatosis, type I. Identifiers: Orphanet 636, MedGen C0027831, MONDO:0018975, OMIM 162200. Disease mechanism: loss of function.

Submission:

Labcorp Genetics (formerly Invitae), Labcorp
Classification: Pathogenic for Neurofibromatosis, type 1. Last evaluated: 2024-09-29. Review status: criteria provided, single submitter. Criteria: Invitae Variant Classification Sherloc (09022015). Collection method: clinical testing. Allele origin: germline.
Comment: This sequence change creates a premature translational stop signal (p.Asn1039Ilefs*4) in the NF1 gene. It is expected to result in an absent or disrupted protein product. Loss-of-function variants in NF1 are known to be pathogenic (PMID: 10712197, 23913538). This variant is not present in population databases (gnomAD no frequency). This variant has not been reported in the literature in individuals affected with NF1-related conditions. Algorithms developed to predict the effect of sequence changes on RNA splicing suggest that this variant may disrupt the consensus splice site. For these reasons, this variant has been classified as Pathogenic.

Literature cited by the submitters: PubMed 10712197; PubMed 23913538.